The following is an entry in ClinVar:

NM_032043.3(BRIP1):c.2776G>T (p.Ala926Ser)

Gene: BRIP1 (BRCA1 interacting DNA helicase 1; minus strand). Cytogenetic location: 17q23.2.
Variant type: single nucleotide variant.
Coding change: c.2776G>T on transcript NM_032043.3 (MANE Select); coding-DNA position 2776, G replaced by T.
Protein change: p.Ala926Ser; replaces alanine 926 with serine.
Molecular consequence: missense variant.
Genome position (GRCh38, 1-based): chr17:61,685,965, C>A on the plus strand (G>T on the coding strand, the complement: BRIP1 is on the minus strand). VCF-style: chr17-61685965-C-A. GRCh37 (hg19) VCF-style: chr17-59763326-C-A.
Other names: short protein forms A926S.
Identifiers: ClinVar variation 3755388 (VCV003755388.2).

ClinVar aggregate classification (germline): Uncertain significance (1 of 4 stars; one submission).

Conditions:
Fanconi anemia complementation group J. Also called: BRIP1-Related Fanconi Anemia. Identifiers: Orphanet 84, MedGen C1836860, MONDO:0012187, OMIM 609054.
Familial cancer of breast. Also called: BREAST CANCER, FAMILIAL; Hereditary breast cancer; hereditary breast carcinoma. Identifiers: Orphanet 227535, MedGen C0346153, MONDO:0016419, OMIM 114480. Disease mechanism: loss of function.

Submission:

Labcorp Genetics (formerly Invitae), Labcorp
Classification: Uncertain significance for Familial cancer of breast; Fanconi anemia complementation group J. Last evaluated: 2024-03-19. Review status: criteria provided, single submitter. Criteria: Invitae Variant Classification Sherloc (09022015). Collection method: clinical testing. Allele origin: germline.
Comment: This sequence change replaces alanine, which is neutral and non-polar, with serine, which is neutral and polar, at codon 926 of the BRIP1 protein (p.Ala926Ser). This variant is not present in population databases (gnomAD no frequency). This variant has not been reported in the literature in individuals affected with BRIP1-related conditions. Advanced modeling of protein sequence and biophysical properties (such as structural, functional, and spatial information, amino acid conservation, physicochemical variation, residue mobility, and thermodynamic stability) performed at Invitae indicates that this missense variant is not expected to disrupt BRIP1 protein function with a negative predictive value of 80%. In summary, the available evidence is currently insufficient to determine the role of this variant in disease. Therefore, it has been classified as a Variant of Uncertain Significance.